The following is an entry in ClinVar:

NM_018979.4(WNK1):c.6661A>G (p.Thr2221Ala)

Gene: WNK1 (WNK lysine deficient protein kinase 1; plus strand). Cytogenetic location: 12p13.33.
Variant type: single nucleotide variant.
Coding change: c.6661A>G on transcript NM_018979.4 (MANE Select); coding-DNA position 6661, A replaced by G.
Protein change: p.Thr2221Ala; replaces threonine 2221 with alanine.
Molecular consequence: missense variant.
Genome position (GRCh38, 1-based): chr12:907,864, A>G. VCF-style: chr12-907864-A-G. GRCh37 (hg19) VCF-style: chr12-1017030-A-G.
Other names: c.7441A>G, p.Thr2481Ala (NM_001184985.2); c.5917A>G, p.Thr1973Ala (NM_014823.3); c.7417A>G, p.Thr2473Ala (NM_213655.5); short protein forms T2221A, T2473A, T2481A, T1973A.
Identifiers: ClinVar variation 1502220 (VCV001502220.11), dbSNP rs767938457, ClinGen allele CA6383467.

ClinVar aggregate classification (germline): Uncertain significance. Review status: criteria provided, multiple submitters, no conflicts (2 of 4 stars). 4 submissions from 4 submitters: Uncertain significance (4). Last evaluated 2025-12-18.

Conditions:
Neuropathy, hereditary sensory and autonomic, type 2A (HSAN2A). Also called: ACROOSTEOLYSIS, GIACCAI TYPE; ACROOSTEOLYSIS, NEUROGENIC; MORVAN DISEASE; NEUROPATHY, CONGENITAL SENSORY; NEUROPATHY, HEREDITARY SENSORY RADICULAR, AUTOSOMAL RECESSIVE; NEUROPATHY, HEREDITARY SENSORY, TYPE IIA. Identifiers: Orphanet 970, MedGen C2752089, MONDO:0024309, OMIM 201300.
Pseudohypoaldosteronism type 2C (PHA2C). Also called: Pseudohypoaldosteronism Type IIC. Identifiers: Orphanet 757, Orphanet 88940, MedGen C1840391, MONDO:0013778, OMIM 614492.

Allele frequency attached by ClinVar (database versions not stated): gnomAD exomes 0.00002 and 0.00001; TOPMed below 0.00001; ExAC 0.00002.
gnomAD v4.1: 13 of 1,613,780 alleles (0.00081%); highest among the groups gnomAD compares: South Asian, 0.0022%; no homozygotes.

Submissions (4):

Women's Health and Genetics/Laboratory Corporation of America, LabCorp
Classification: Uncertain significance. Last evaluated: 2025-12-18. Review status: criteria provided, single submitter. Criteria: LabCorp Variant Classification Summary - May 2015. Collection method: clinical testing. Allele origin: germline.
Comment: Variant summary: WNK1 c.6661A>G (p.Thr2221Ala) results in a non-conservative amino acid change in the encoded protein sequence. Algorithms developed to predict the effect of missense changes on protein structure and function are either unavailable or do not agree on the potential impact of this missense change. The variant allele was found at a frequency of 2.4e-05 in 251436 control chromosomes. The available data on variant occurrences in the general population are insufficient to allow any conclusion about variant significance. To our knowledge, no occurrence of c.6661A>G in individuals affected with WNK1-related conditions and no experimental evidence demonstrating its impact on protein function have been reported. ClinVar contains an entry for this variant (Variation ID: 1502220). Based on the evidence outlined above, the variant was classified as uncertain significance.

Fulgent Genetics
Classification: Uncertain significance for Neuropathy, hereditary sensory and autonomic, type 2A; Pseudohypoaldosteronism type 2C. Last evaluated: 2024-05-13. Review status: criteria provided, single submitter. Criteria: ACMG Guidelines, 2015. Collection method: clinical testing. Allele origin: germline.

Labcorp Genetics (formerly Invitae), Labcorp
Classification: Uncertain significance for Neuropathy, hereditary sensory and autonomic, type 2A; Pseudohypoaldosteronism type 2C. Last evaluated: 2024-01-31. Review status: criteria provided, single submitter. Criteria: Invitae Variant Classification Sherloc (09022015). Collection method: clinical testing. Allele origin: germline.
Comment: This sequence change replaces threonine, which is neutral and polar, with alanine, which is neutral and non-polar, at codon 2473 of the WNK1 protein (p.Thr2473Ala). This variant is present in population databases (rs767938457, gnomAD 0.006%). This variant has not been reported in the literature in individuals affected with WNK1-related conditions. ClinVar contains an entry for this variant (Variation ID: 1502220). Advanced modeling of protein sequence and biophysical properties (such as structural, functional, and spatial information, amino acid conservation, physicochemical variation, residue mobility, and thermodynamic stability) performed at Invitae indicates that this missense variant is not expected to disrupt WNK1 protein function with a negative predictive value of 95%. In summary, the available evidence is currently insufficient to determine the role of this variant in disease. Therefore, it has been classified as a Variant of Uncertain Significance.

Department of Pathology and Laboratory Medicine, Sinai Health System
Classification: Uncertain significance for Neuropathy, hereditary sensory and autonomic, type 2A; Pseudohypoaldosteronism type 2C. Last evaluated: 2023-05-17. Review status: criteria provided, single submitter. Criteria: ACMG Guidelines, 2015. Collection method: research. Allele origin: germline.